The following is an entry in ClinVar:

ClinVar aggregate classification (germline): Uncertain significance (1 of 4 stars; one submission).

Conditions:
Singleton-Merten syndrome 1 (SGMRT1). Also called: Syndrome of widened medullary cavities of the metacarpals and phalanges, aortic calcification and abnormal dentition; Widened medullary cavities of bone, aortic calcification, abnormal dentition, and muscular weakness. Identifiers: Orphanet 85191, MedGen C4225427, MONDO:0024535, OMIM 182250.
Aicardi-Goutieres syndrome 7 (AGS7). Identifiers: Orphanet 51, MedGen C3888244, MONDO:0014367, OMIM 615846.

Allele frequency attached by ClinVar (database versions not stated): gnomAD 0.00001; gnomAD exomes 0.00001.
gnomAD v4.1: 7 of 1,610,208 alleles (0.00043%); highest among the groups gnomAD compares: African/African-American, 0.0013%; no homozygotes.

Submission:

Labcorp Genetics (formerly Invitae), Labcorp
Classification: Uncertain significance for Aicardi-Goutieres syndrome 7; Singleton-Merten syndrome 1. Last evaluated: 2024-02-09. Review status: criteria provided, single submitter. Criteria: Invitae Variant Classification Sherloc (09022015). Collection method: clinical testing. Allele origin: germline.
Comment: This sequence change replaces threonine, which is neutral and polar, with arginine, which is basic and polar, at codon 1009 of the IFIH1 protein (p.Thr1009Arg). This variant is present in population databases (no rsID available, gnomAD 0.01%). This variant has not been reported in the literature in individuals affected with IFIH1-related conditions. Algorithms developed to predict the effect of missense changes on protein structure and function output the following: SIFT: "Not Available"; PolyPhen-2: "Benign"; Align-GVGD: "Not Available". The arginine amino acid residue is found in multiple mammalian species, which suggests that this missense change does not adversely affect protein function. In summary, the available evidence is currently insufficient to determine the role of this variant in disease. Therefore, it has been classified as a Variant of Uncertain Significance.

NM_022168.4(IFIH1):c.3026C>G (p.Thr1009Arg)

Gene: IFIH1 (interferon induced with helicase C domain 1; minus strand). Cytogenetic location: 2q24.2.
Variant type: single nucleotide variant.
Coding change: c.3026C>G on transcript NM_022168.4 (MANE Select); coding-DNA position 3026, C replaced by G.
Protein change: p.Thr1009Arg; replaces threonine 1009 with arginine.
Molecular consequence: missense variant.
Genome position (GRCh38, 1-based): chr2:162,267,252, G>C on the plus strand (C>G on the coding strand, the complement: IFIH1 is on the minus strand). VCF-style: chr2-162267252-G-C. GRCh37 (hg19) VCF-style: chr2-163123762-G-C.
Other names: short protein forms T1009R.
Identifiers: ClinVar variation 2922818 (VCV002922818.3), dbSNP rs1304821268, ClinGen allele CA348988835.